The following is an entry in ClinVar:

NM_000478.6(ALPL):c.152C>T (p.Ala51Val)

Gene: ALPL (alkaline phosphatase, biomineralization associated; plus strand). Cytogenetic location: 1p36.12.
Variant type: single nucleotide variant.
Coding change: c.152C>T on transcript NM_000478.6 (MANE Select); coding-DNA position 152, C replaced by T.
Protein change: p.Ala51Val; replaces alanine 51 with valine.
Molecular consequence: missense variant. On other transcripts: 5 prime UTR variant (1), synonymous variant (1).
Genome position (GRCh38, 1-based): chr1:21,560,716, C>T. VCF-style: chr1-21560716-C-T. GRCh37 (hg19) VCF-style: chr1-21887209-C-T.
Other names: c.-14C>T (NM_001127501.4); c.37C>T, p.Leu13= (NM_001177520.3); c.152C>T, p.Ala51Val (NM_001369803.2, NM_001369804.2, NM_001369805.2); short protein forms A51V.
Identifiers: ClinVar variation 2573416 (VCV002573416.7), dbSNP rs1470389268, ClinGen allele CA338877642.

ClinVar aggregate classification (germline): Pathogenic/Likely pathogenic. Review status: criteria provided, multiple submitters, no conflicts (2 of 4 stars). 5 submissions from 5 submitters: Pathogenic (1); Likely pathogenic (4). Last evaluated 2026-04-28.

Conditions:
Hypophosphatasia. Also called: Phosphoethanol-aminuria. Identifiers: Orphanet 436, MedGen C0020630, MeSH D007014, MONDO:0018570.
Adult hypophosphatasia. Identifiers: Orphanet 247676, Orphanet 436, MedGen C0268413, MONDO:1010154, OMIM 146300, MONDO:0007798.

Allele frequency attached by ClinVar (database versions not stated): gnomAD exomes below 0.00001; gnomAD 0.00001.
gnomAD v4.1: 8 of 1,614,024 alleles (0.0005%); highest among the groups gnomAD compares: South Asian, 0.0088%; no homozygotes.

Submissions (5):

Myriad Genetics, Inc.
Classification: Likely pathogenic for Hypophosphatasia. Last evaluated: 2026-04-28. Review status: criteria provided, single submitter. Criteria: Myriad Autosomal Dominant, Autosomal Recessive and X-Linked Classification Criteria (2023). Collection method: clinical testing. Allele origin: unknown.
Comment: NM_000478.4(ALPL):c.152C>T(A51V) is a missense variant classified as likely pathogenic in the context of hypophosphatasia. A51V has been observed in cases with relevant disease (PMID: 11438998, 32160374, 40416455). Relevant functional assessments of this variant are available in the literature (PMID: 32160374). Internal structural analysis of the variant is supportive of pathogenicity. A51V has been observed in referenced population frequency databases. In summary, NM_000478.4(ALPL):c.152C>T(A51V) is a missense variant that has internal structural support for pathogenicity and has been observed more frequently in cases with the relevant disease than in healthy populations. Please note: this variant was assessed in the context of healthy population screening.

Labcorp Genetics (formerly Invitae), Labcorp
Classification: Likely pathogenic. Last evaluated: 2026-01-27. Review status: criteria provided, single submitter. Criteria: Invitae Variant Classification Sherloc (09022015). Collection method: clinical testing. Allele origin: germline.
Comment: This sequence change replaces alanine, which is neutral and non-polar, with valine, which is neutral and non-polar, at codon 51 of the ALPL protein (p.Ala51Val). This variant is present in population databases (no rsID available, gnomAD 0.003%). This missense change has been observed in individual(s) with hypophosphatasia (PMID: 11438998, 32160374). This variant is also known as A34V. ClinVar contains an entry for this variant (Variation ID: 2573416). Invitae Evidence Modeling of protein sequence and biophysical properties (such as structural, functional, and spatial information, amino acid conservation, physicochemical variation, residue mobility, and thermodynamic stability) indicates that this missense variant is expected to disrupt ALPL protein function with a positive predictive value of 95%. Experimental studies have shown that this missense change affects ALPL function (PMID: 32160374). This variant disrupts the p.Ala51 amino acid residue in ALPL. Other variant(s) that disrupt this residue have been observed in individuals with ALPL-related conditions (PMID: 11438998, 11855933, 32160374), which suggests that this may be a clinically significant amino acid residue. In summary, the currently available evidence indicates that the variant is pathogenic, but additional data are needed to prove that conclusively. Therefore, this variant has been classified as Likely Pathogenic.

Genomenon, Inc
Classification: Pathogenic for Hypophosphatasia. Last evaluated: 2025-08-29. Review status: criteria provided, single submitter. Criteria: Genomenon Sequence Variant Interpretation Standards. Collection method: curation. Allele origin: germline. Affected: yes.
Comment: ALPL c.152C>T is a missense variant that changes the amino acid at residue 51 from Alanine to Valine. This variant has been observed in at least one proband affected with hypophosphatasia (PMID:32973344;11438998). At least one functional study has demonstrated a substantial alteration in protein function relative to the wild-type (PMID:32160374). This variant is also reported as Ala34Val in the literature. It is absent or not present at a significant frequency in gnomAD. In silico models agree that this variant is possibly or probably damaging. In conclusion, we classify ALPL p.Ala51Val (c.152C>T) as a pathogenic variant.

Baylor Genetics
Classification: Likely pathogenic for Adult hypophosphatasia. Last evaluated: 2023-11-10. Review status: criteria provided, single submitter. Criteria: ACMG Guidelines, 2015. Collection method: clinical testing. Allele origin: unknown.

Women's Health and Genetics/Laboratory Corporation of America, LabCorp
Classification: Likely pathogenic for Hypophosphatasia. Last evaluated: 2023-06-07. Review status: criteria provided, single submitter. Criteria: LabCorp Variant Classification Summary - May 2015. Collection method: clinical testing. Allele origin: germline.
Comment: Variant summary: ALPL c.152C>T (p.Ala51Val) results in a non-conservative amino acid change in the encoded protein sequence. Four of five in-silico tools predict a damaging effect of the variant on protein function. The variant allele was found at a frequency of 4e-06 in 251404 control chromosomes (gnomAD). c.152C>T has been reported in the literature in one compound heterozygous individual affected with infantile autosomal recessive Hypophosphatasia and in one homozygous individual affected with perinatal lethal autosomal recessive Hypophosphatasia (e.g. Taillandier_2001, del Angel_2020). These data indicate that the variant may be associated with disease. A functional study examining the effect of the variant in vitro found that it results in approximately 4% of WT activity but does not exhibit a dominant negative effect when expressed with the WT allele (del Angel_2020). The following publications have been ascertained in the context of this evaluation (PMID: 32160374, 11438998). No clinical diagnostic laboratories have submitted clinical-significance assessments for this variant to ClinVar after 2014. Based on the evidence outlined above, the variant was classified as likely pathogenic.

Literature cited by the submitters: PubMed 11438998 (cited by 4 submitters); PubMed 32160374 (cited by 4 submitters); PubMed 40416455 (cited by Myriad Genetics, Inc.); PubMed 11855933 (cited by Labcorp Genetics (formerly Invitae), Labcorp); PubMed 32973344 (cited by Genomenon, Inc).